The following is an entry in ClinVar:

NM_006996.3(SLC19A2):c.30GGC[7] (p.Ala16dup)

Genes: SLC19A2 (solute carrier family 19 member 2; minus strand), LOC129931894 (ATAC-STARR-seq lymphoblastoid silent region 1546; plus strand). Cytogenetic location: 1q24.2.
Variant type: Microsatellite.
Coding change: c.30GGC[7] on transcript NM_006996.3 (MANE Select); seven copies in a row of the 3-base unit GGC starting at c.30; the reference has six copies in a row; one copy, 3 bases duplicated; also written c.45_47dup.
Protein change: p.Ala16dup; duplicates alanine 16.
Molecular consequence: inframe insertion.
Genome position (GRCh38, 1-based): chr1:169,485,720-169,485,722, GCC duplicated on the plus strand (GGC on the coding strand, the reverse complement: SLC19A2 is on the minus strand); duplicating any 3 consecutive bases within chr1:169,485,720-169,485,737 gives the same sequence; the position shown is the placement nearest the transcript's 3' end. VCF-style (leftmost placement, unchanged base first): chr1-169485719-G-GGCC. GRCh37 (hg19) VCF-style: chr1-169454957-G-GGCC.
Other names: c.45_47dup (NM_006996.2); c.30GGC[7], p.Ala16dup (NM_001319667.1); c.45_47dupGGC (NM_006996.2).
Identifiers: ClinVar variation 1045678 (VCV001045678.9), dbSNP rs776444312, ClinGen allele CA32390771.

ClinVar aggregate classification (germline): Conflicting classifications of pathogenicity. Review status: criteria provided, conflicting classifications (1 of 4 stars). 3 submissions from 3 submitters: Uncertain significance (1); Likely benign (1). 1 of the submissions does not count toward it. Last evaluated 2026-06-02.

Conditions:
SLC19A2-related disorder. Also called: SLC19A2-related condition.

Submissions (3):

GeneDx
Classification: Uncertain significance. Last evaluated: 2026-06-02. Review status: criteria provided, single submitter. Criteria: GeneDx Variant Classification Process June 2021. Collection method: clinical testing. Allele origin: germline.
Comment: In-frame duplication of 1 amino acid(s) in a repetitive region with no known function; Has not been previously published as pathogenic or benign to our knowledge

Labcorp Genetics (formerly Invitae), Labcorp
Classification: Likely benign. Last evaluated: 2025-12-29. Review status: criteria provided, single submitter. Criteria: Invitae Variant Classification Sherloc (09022015). Collection method: clinical testing. Allele origin: germline.

PreventionGenetics, part of Exact Sciences
Classification: Likely benign for SLC19A2-related condition. Last evaluated: 2022-10-13. Review status: no assertion criteria provided. Collection method: clinical testing. Allele origin: germline. Not counted in ClinVar's aggregate classification.
Comment: This variant is classified as likely benign based on ACMG/AMP sequence variant interpretation guidelines (Richards et al. 2015 PMID: 25741868, with internal and published modifications).